The following is an entry in ClinVar:

ClinVar aggregate classification (germline): Uncertain significance (1 of 4 stars; one submission).

gnomAD v4.1: 3 of 1,603,448 alleles (0.00019%); highest among the groups gnomAD compares: Middle Eastern, 0.017%; no homozygotes.

Submission:

Labcorp Genetics (formerly Invitae), Labcorp
Classification: Uncertain significance. Last evaluated: 2025-08-03. Review status: criteria provided, single submitter. Criteria: Invitae Variant Classification Sherloc (09022015). Collection method: clinical testing. Allele origin: germline.
Comment: This sequence change replaces methionine, which is neutral and non-polar, with threonine, which is neutral and polar, at codon 366 of the RELA protein (p.Met366Thr). The frequency data for this variant in the population databases is considered unreliable, as metrics indicate poor data quality at this position in the gnomAD database. This variant has not been reported in the literature in individuals affected with RELA-related conditions. An algorithm developed to predict the effect of missense changes on protein structure and function (PolyPhen-2) suggests that this variant is likely to be tolerated. In summary, the available evidence is currently insufficient to determine the role of this variant in disease. Therefore, it has been classified as a Variant of Uncertain Significance.

NM_021975.4(RELA):c.1097T>C (p.Met366Thr)

Gene: RELA (RELA proto-oncogene, NF-kB subunit; minus strand). Cytogenetic location: 11q13.1.
Variant type: single nucleotide variant.
Coding change: c.1097T>C on transcript NM_021975.4 (MANE Select); coding-DNA position 1097, T replaced by C.
Protein change: p.Met366Thr; replaces methionine 366 with threonine.
Molecular consequence: missense variant. On other transcripts: intron variant (1).
Genome position (GRCh38, 1-based): chr11:65,654,937, A>G on the plus strand (T>C on the coding strand, the complement: RELA is on the minus strand). VCF-style: chr11-65654937-A-G. GRCh37 (hg19) VCF-style: chr11-65422408-A-G.
Other names: c.1088T>C, p.Met363Thr (NM_001145138.2); c.1097T>C, p.Met366Thr (NM_001243985.2); c.1130T>C, p.Met377Thr (NM_001404657.1); c.1070T>C, p.Met357Thr (NM_001404658.1); c.884T>C, p.Met295Thr (NM_001404659.1); c.779T>C, p.Met260Thr (NM_001404660.1); c.716T>C, p.Met239Thr (NM_001404661.1); c.1004T>C, p.Met335Thr (NM_001404662.1, NM_001404663.1); and 1 more; short protein forms M377T, M357T, M239T, M295T, M335T, M366T, M260T, M363T.
Identifiers: ClinVar variation 4767270 (VCV004767270.1).